The following is an entry in ClinVar:

NM_000352.6(ABCC8):c.4258C>T (p.Arg1420Cys)

Gene: ABCC8 (ATP binding cassette subfamily C member 8; minus strand). Cytogenetic location: 11p15.1.
Variant type: single nucleotide variant.
Coding change: c.4258C>T on transcript NM_000352.6 (MANE Select); coding-DNA position 4258, C replaced by T.
Protein change: p.Arg1420Cys; replaces arginine 1420 with cysteine.
Molecular consequence: missense variant. On other transcripts: non-coding transcript variant (1).
Genome position (GRCh38, 1-based): chr11:17,395,659, G>A on the plus strand (C>T on the coding strand, the complement: ABCC8 is on the minus strand). VCF-style: chr11-17395659-G-A. GRCh37 (hg19) VCF-style: chr11-17417206-G-A.
Other names: c.4261C>T, p.Arg1421Cys (NM_001287174.3); c.4324C>T, p.Arg1442Cys (NM_001351295.2); c.4258C>T, p.Arg1420Cys (NM_001351296.2); c.4255C>T, p.Arg1419Cys (NM_001351297.2); short protein forms R1421C, R1420C, R1419C, R1442C.
Identifiers: ClinVar variation 9095 (VCV000009095.27), dbSNP rs28938469, ClinGen allele CA254631.

ClinVar aggregate classification (germline): Pathogenic/Likely pathogenic. Review status: criteria provided, multiple submitters, no conflicts (2 of 4 stars). 10 submissions from 10 submitters: Pathogenic (4); Likely pathogenic (4). 2 of the submissions do not count toward it. Last evaluated 2026-01-20.

Conditions:
Diabetes mellitus, permanent neonatal 3. Also called: ABCC8-Related Permanent Neonatal Diabetes Mellitus. Identifiers: MedGen C5394303, MONDO:0030088, OMIM 618857.
Hyperinsulinemic hypoglycemia, familial, 1 (HHF1). Also called: HYPERINSULINISM, FAMILIAL, WITH PANCREATIC NESIDIOBLASTOSIS; HYPOGLYCEMIA, HYPERINSULINEMIC, OF INFANCY; NESIDIOBLASTOSIS OF PANCREAS; Persistent Hyperinsulinemia Hypoglycemia of Infancy; Persistent hyperinsulinemic hypoglycemia of infancy. Identifiers: Orphanet 276575, Orphanet 276598, MedGen C2931832, MONDO:0009734, OMIM 256450.
Leucine-induced hypoglycemia (LIH). Also called: LEUCINE-SENSITIVE HYPOGLYCEMIA OF INFANCY. Identifiers: MedGen C0271714, MONDO:0009415, OMIM 240800.
Type 2 diabetes mellitus. Also called: Type II diabetes mellitus. Identifiers: MedGen C0011860, MeSH D003924, MONDO:0005148, OMIM 125853, HP:0005978.
Diabetes mellitus, transient neonatal, 2 (TNDM2). Identifiers: Orphanet 99886, MedGen C1835887, MONDO:0012480, OMIM 610374. Disease mechanism: loss of function.
Hereditary hyperinsulinism.

gnomAD v4.1: 14 of 1,561,052 alleles (0.0009%); highest among the groups gnomAD compares: Non-Finnish European, 0.0011%; no homozygotes.

Submissions (10):

Labcorp Genetics (formerly Invitae), Labcorp
Classification: Pathogenic. Last evaluated: 2026-01-20. Review status: criteria provided, single submitter. Criteria: Invitae Variant Classification Sherloc (09022015). Collection method: clinical testing. Allele origin: germline.
Comment: This sequence change replaces arginine, which is basic and polar, with cysteine, which is neutral and slightly polar, at codon 1420 of the ABCC8 protein (p.Arg1420Cys). This variant is not present in population databases (gnomAD no frequency). This missense change has been observed in individuals with autosomal recessive familial hyperinsulinism and/or clinical features of dyslipidemia (PMID: 9769320, 10615958, 17378627, 32041611). This variant is also known as p.Arg1421Cys. ClinVar contains an entry for this variant (Variation ID: 9095). Invitae Evidence Modeling of protein sequence and biophysical properties (such as structural, functional, and spatial information, amino acid conservation, physicochemical variation, residue mobility, and thermodynamic stability) indicates that this missense variant is expected to disrupt ABCC8 protein function with a positive predictive value of 95%. Experimental studies have shown that this missense change affects ABCC8 function (PMID: 10615958, 10993895, 26246406). For these reasons, this variant has been classified as Pathogenic.

Myriad Genetics, Inc.
Classification: Likely pathogenic for Hyperinsulinemic hypoglycemia, familial, 1. Last evaluated: 2025-05-21. Review status: criteria provided, single submitter. Criteria: Myriad Autosomal Dominant, Autosomal Recessive and X-Linked Classification Criteria (2023). Collection method: clinical testing. Allele origin: unknown.
Comment: NM_000352.3(ABCC8):c.4258C>T(R1420C) is a missense variant classified as likely pathogenic in the context of familial hyperinsulinism, ABCC8-related. R1420C has been observed in cases with relevant disease (PMID: 10202168, 26316440, 17378627, 10615958, 29301189, 23345197, 23275527, 20685672). Relevant functional assessments of this variant are available in the literature (PMID: 10993895, 10615958, 26246406). R1420C has not been observed in referenced population frequency databases. In summary, NM_000352.3(ABCC8):c.4258C>T(R1420C) is a missense variant that has been observed more frequently in cases with the relevant disease than in healthy populations. Please note: this variant was assessed in the context of healthy population screening.

Natera, Inc.
Classification: Likely pathogenic for Hereditary hyperinsulinism. Last evaluated: 2025-05-13. Review status: criteria provided, single submitter. Criteria: Natera Variant Classification Schema (03/2026). Collection method: clinical testing. Allele origin: germline.
Comment: The c.4258C>T variant in ABCC8 is a missense variant predicted to cause substitution of arginine to cysteine at amino acid 1420. This variant is rare in the general population with a frequency below the threshold expected for the associated phenotype(s). This variant has been observed in one or more individuals affected with the associated recessive disease, as either homozygous or compound heterozygous with a second variant (PMID: 9769320, 17378627, 31479591, 23345197, 10615958). This variant has been observed to segregate in affected family members (PMID: 10615958). Computational prediction algorithms indicate this variant is likely to affect gene or protein function. Given the available evidence, this variant is classified as Likely Pathogenic.

Fulgent Genetics
Classification: Pathogenic for Type 2 diabetes mellitus; Leucine-induced hypoglycemia; Hyperinsulinemic hypoglycemia, familial, 1; Diabetes mellitus, transient neonatal, 2; Diabetes mellitus, permanent neonatal 3. Last evaluated: 2024-01-24. Review status: criteria provided, single submitter. Criteria: ACMG Guidelines, 2015. Collection method: clinical testing. Allele origin: germline.

GeneDx
Classification: Likely pathogenic. Last evaluated: 2023-05-16. Review status: criteria provided, single submitter. Criteria: GeneDx Variant Classification Process June 2021. Collection method: clinical testing. Allele origin: germline. Affected: yes.
Comment: Published functional studies demonstrate a damaging effect and show that this variant leads to channel function impairment (Tanizawa et al., 2000; Matsuo et al., 2000; Baier et al., 2015); Not observed at significant frequency in large population cohorts (gnomAD); In silico analysis supports that this missense variant has a deleterious effect on protein structure/function; Also known as c.4261C>T, R1421C; This variant is associated with the following publications: (PMID: 32041611, 36208030, 20685672, 23275527, 31479591, 17378627, 28587604, 10202168, 26246406, 9769320, 10615958, 23345197, 10993895)

Baylor Genetics
Classification: Likely pathogenic for Type 2 diabetes mellitus. Last evaluated: 2023-03-08. Review status: criteria provided, single submitter. Criteria: ACMG Guidelines, 2015. Collection method: clinical testing. Allele origin: unknown.

Illumina Laboratory Services, Illumina
Classification: Pathogenic for Hyperinsulinemic hypoglycemia, familial, 1. Last evaluated: 2019-01-12. Review status: criteria provided, single submitter. Criteria: ICSL Variant Classification Criteria 09 May 2019. Collection method: clinical testing. Allele origin: germline.
Comment: The ABCC8 c.4258C>T (p.Arg1420Cys) missense variant, also referred to as c.4261C>T, (p.Arg1421Cys), has been reported in at least six studies in which it is found in a total of seven individuals with congenital hyperinsulinism, including in a homozygous state in three individuals (two of whom are siblings), in a compound heterozygous state in one individual, in a heterozygous state in one individual and in two individuals with unknown zygosity (Verkarre et al. 1998; de Lonlay-Debeney et al. 1999; Tanizawa et al. 2000; BellannÃ©-Chantelot et al. 2010; Snider et al. 2013; Kappor et al. 2013). The variant was absent from 480 control chromosomes and is not found in the 1000 Genomes Project, the Exome Sequencing Project, Exome Aggregation Consortium, or the Genome Aggregation Database. The Arg1420 residue is highly conserved. Matsuo et al. (2000) analyzed the functional effect of the p.Arg1420Cys variant and showed it lowers affinity for ATP and ADP binding and leads to enhanced insulin secretion. Tanizawa et al. (2000) transiently expressed the variant protein in COS-7 cells and showed inhibition of channel formation and function compared to wild type. Based on the collective evidence, the p.Arg1420Cys variant is classified as pathogenic for congenital hyperinsulinism. This variant was observed by ICSL as part of a predisposition screen in an ostensibly healthy population.

Genomic Research Center, Shahid Beheshti University of Medical Sciences
Classification: Pathogenic for Hyperinsulinemic hypoglycemia, familial, 1. Last evaluated: 2017-12-18. Review status: criteria provided, single submitter. Criteria: ACMG Guidelines, 2015. Collection method: clinical testing. Allele origin: inherited.

Counsyl
Classification: Likely pathogenic for Hyperinsulinemic hypoglycemia, familial, 1. Last evaluated: 2017-04-27. Review status: no assertion criteria provided. Collection method: clinical testing. Allele origin: unknown. Not counted in ClinVar's aggregate classification.

OMIM
Classification: Pathogenic for HYPERINSULINEMIC HYPOGLYCEMIA, FAMILIAL, 1. Last evaluated: 2000-12-29. Review status: no assertion criteria provided. Collection method: literature only. Allele origin: germline. Not counted in ClinVar's aggregate classification.

Literature cited by the submitters: PubMed 9769320 (cited by 4 submitters); PubMed 10615958 (cited by 5 submitters); PubMed 17378627 (cited by 4 submitters); PubMed 32041611 (cited by Labcorp Genetics (formerly Invitae), Labcorp); PubMed 10993895 (cited by 5 submitters); PubMed 26246406 (cited by 3 submitters); PubMed 10202168 (cited by 3 submitters); PubMed 20685672 (cited by 3 submitters); PubMed 23275527 (cited by 3 submitters); PubMed 23345197 (cited by 4 submitters); PubMed 26316440 (cited by Myriad Genetics, Inc.); PubMed 29301189 (cited by Myriad Genetics, Inc.); PubMed 31479591 (cited by Natera, Inc.); PubMed 14593442 (cited by Counsyl).